The following is an entry in ClinVar:

NM_032043.3(BRIP1):c.3196del (p.Ser1066fs)

Gene: BRIP1 (BRCA1 interacting DNA helicase 1; minus strand). Cytogenetic location: 17q23.2.
Variant type: Deletion.
Coding change: c.3196del on transcript NM_032043.3 (MANE Select); coding-DNA position 3196, one base deleted (T; older notation c.3196delT).
Protein change: p.Ser1066fs; shifts the reading frame from serine 1066.
Molecular consequence: frameshift variant.
Genome position (GRCh38, 1-based): chr17:61,683,850, A deleted on the plus strand (T on the coding strand, the reverse complement: BRIP1 is on the minus strand). VCF-style (leftmost placement, unchanged base first): chr17-61683849-GA-G. GRCh37 (hg19) VCF-style: chr17-59761210-GA-G.
Other names: c.3196delT (NM_032043.2); short protein forms S1066fs.
Identifiers: ClinVar variation 182367 (VCV000182367.36), dbSNP rs730881645, ClinGen allele CA298922.

ClinVar aggregate classification (germline): Conflicting classifications of pathogenicity. Review status: criteria provided, conflicting classifications (1 of 4 stars). 10 submissions from 10 submitters: Pathogenic (2); Likely pathogenic (4); Uncertain significance (3). 1 of the submissions does not count toward it. Last evaluated 2025-12-15.

Conditions:
Fanconi anemia complementation group J. Also called: BRIP1-Related Fanconi Anemia. Identifiers: Orphanet 84, MedGen C1836860, MONDO:0012187, OMIM 609054.
Ovarian cancer. Also called: OVARIAN CANCER, SOMATIC. Identifiers: Orphanet 213500, MedGen C1140680, MONDO:0008170, OMIM 167000.
Hereditary cancer-predisposing syndrome. Also called: Tumor predisposition; Hereditary Cancer Syndrome; Hereditary neoplastic syndrome; Neoplastic Syndromes, Hereditary. Identifiers: Orphanet 140162, MedGen C0027672, MeSH D009386, MONDO:0015356.
Familial cancer of breast. Also called: BREAST CANCER, FAMILIAL; hereditary breast carcinoma; Hereditary breast cancer. Identifiers: Orphanet 227535, MedGen C0346153, MONDO:0016419, OMIM 114480. Disease mechanism: loss of function.
Hereditary breast ovarian cancer syndrome. Also called: Breast and ovarian cancer; Hereditary breast and ovarian cancer syndrome; Hereditary breast and ovarian cancer; BRCA1- and BRCA2-Associated Hereditary Breast and Ovarian Cancer; Hereditary breast and ovarian cancer syndrome (HBOC); Hereditary breast and/or ovarian cancer syndrome. Identifiers: Orphanet 145, MedGen C0677776, MeSH D061325, MONDO:0003582. Disease mechanism: loss of function.

Allele frequency attached by ClinVar (database versions not stated): gnomAD exomes below 0.00001 and 0.00002; ExAC 0.00004; gnomAD 0.00005 and 0.00006; TOPMed 0.00005; ESP Exome Variant Server 0.00008.

Submissions 1 to 8 of 10:

Color Diagnostics, LLC DBA Color Health
Classification: Likely pathogenic for Hereditary cancer-predisposing syndrome. Last evaluated: 2025-12-15. Review status: criteria provided, single submitter. Criteria: ACMG Guidelines, 2015. Collection method: clinical testing. Allele origin: germline.
Comment: This variant deletes 1 nucleotide in exon 20 of the BRIP1 gene, creating a frameshift and a premature translation stop signal in the last coding exon. This mutant transcript is predicted to escape nonsense-mediated decay and be expressed as a truncated protein. This mutant protein would lack the region (codons 1130-1153) that has been shown to be important for TopBP1 binding in vitro and DNA replication-stress response in ex vivo cell culture (PMID: 20159562, 21127055). This variant has been reported in individuals of African ancestry affected with breast cancer (PMID: 25186627, 30130155, 30728895) and in an individual with endometrial cancer (PMID: 26689913, 28452373) in the literature, as well as in additional affected individuals tested by external laboratories (ClinVar variation ID: 182367). This variant has also been identified in 7/282816 chromosomes (7/24958 African chromosomes) in the general population by the Genome Aggregation Database (gnomAD) and in individuals lacking personal history of cancer (Color internal dataFLOSSIES). Based on the suspected deleterious impact on protein function and observations in affected individuals, this variant is classified as Likely Pathogenic. The occurrence of this variant in the general population (gnomAD) and in some unaffected individuals suggest this variant may be hypomorphic and may display reduced penetrance relative to typical pathogenic BRIP1 variants. Medical management should be considered based on the individual's personal and family history.

Labcorp Genetics (formerly Invitae), Labcorp
Classification: Uncertain significance for Familial cancer of breast; Fanconi anemia complementation group J. Last evaluated: 2025-11-20. Review status: criteria provided, single submitter. Criteria: Invitae Variant Classification Sherloc (09022015). Collection method: clinical testing. Allele origin: germline.
Comment: This sequence change creates a premature translational stop signal (p.Ser1066Hisfs*12) in the BRIP1 gene. While this is not anticipated to result in nonsense mediated decay, it is expected to disrupt the last 184 amino acid(s) of the BRIP1 protein. This variant is present in population databases (rs730881645, gnomAD 0.03%). This premature translational stop signal has been observed in individual(s) with breast cancer, endometrial cancer, and/or lung cancer (PMID: 25186627, 26689913, 28452373, 30130155, 30728895, 33646313). ClinVar contains an entry for this variant (Variation ID: 182367). In summary, the available evidence is currently insufficient to determine the role of this variant in disease. Therefore, it has been classified as a Variant of Uncertain Significance.

St. Jude Molecular Pathology, St. Jude Children's Research Hospital
Classification: Uncertain significance for Fanconi anemia complementation group J. Last evaluated: 2025-09-11. Review status: criteria provided, single submitter. Criteria: St. Jude Assertion Criteria 2020. Collection method: clinical testing. Allele origin: germline.
Comment: The BRIP1 c.3196del (p.Ser1066HisfsTer12) change causes a frameshift and the creation of a premature stop codon. This variant is not predicted to result in nonsense mediated decay and the function of the truncated region with respect to disease is uncertain. This variant has been reported in individuals with breast cancer (PMID: 25186627, 30130155, 30728895). This variant has a maximum subpopulation frequency of 0.028% in gnomAD v2.1.1. It has also been reported in one individual in a database of women older than 70 years of age who have never had cancer (FLOSSIES database). While this variant currently meets criteria to be classified as of uncertain significance, the Bayesian formulation of the ACMG/AMP guidelines (PMID: 29300386, 32720330) indicates that this variant has an overall posterior probability (PP) of pathogenicity of 0.675 (Uncertain: 0.10 ≤ PP ≤ 0.90). This result does not exclude that possibility that the variant is disease-causing, and additional evidence may allow for re-classification as likely pathogenic (0.99 ≥ PP > 0.90). In summary, the evidence currently available is insufficient to determine the clinical significance of this variant. It has therefore been classified as of uncertain significance.

Ambry Genetics
Classification: Uncertain significance for Hereditary cancer-predisposing syndrome. Last evaluated: 2025-03-14. Review status: criteria provided, single submitter. Criteria: Ambry Variant Classification Scheme 2023. Collection method: clinical testing. Allele origin: germline.
Comment: The c.3196delT variant, located in coding exon 19 of the BRIP1 gene, results from a deletion of one nucleotide at position 3196, causing a translational frameshift with a predicted alternate stop codon (p.S1066Hfs*12). This alteration occurs at the 3' terminus of theBRIP1 gene, is not expected to trigger nonsense-mediated mRNA decay, and only impacts the last 173 amino acids of the protein. The exact functional impact of these removed amino acids is unknown. This alteration was identified in patients diagnosed with breast cancer younger than 50 years of age (Tung N et al. Cancer. 2015 Jan;121(1):25-33; Slavin TP et al. Oncotarget. 2019 Jan;10(4):417-423; George SHL et al. JAMA Netw Open, 2021 Mar;4:e210307). While the C-terminal region of the BRIP1 protein has been shown by structural, biochemical, and mutational analysis to be relevant for some aspects of BRIP1 protein function (Gong Z et al. Mol. Cell, 2010 Feb;37:438-46; Leung CC et al. J. Biol. Chem. 2011 Feb; 286(6):4292-301; Xie J et al. PLoS Genet. 2012 Jul; 8(7):e1002786), functional studies have shown that truncations in the 3' terminus of BRIP1 display normal function in response to intra-strand cross-linking agents (Calvo JA et al. Mol Cancer Res, 2021 Jun;19:1015-1025). In addition, 3' truncations in BRIP1 occurring upstream of this variant have been detected in the homozygous or compound heterozygous state in individuals with no reported features of BRIP1-related Fanconi Anemia (FA-J) (Ambry internal data). Based on the available evidence, the clinical significance of this variant remains unclear.

Institute for Genomic Medicine (IGM) Clinical Laboratory, Nationwide Children's Hospital
Classification: Pathogenic for Hereditary cancer-predisposing syndrome. Last evaluated: 2024-05-08. Review status: criteria provided, single submitter. Criteria: ACMG Guidelines, 2015. Collection method: clinical testing. Allele origin: germline.
Comment: This variant is predicted to result in loss of function through nonsense-mediated decay of the encoded transcript or premature truncation of the encoded protein in a gene in which loss of function is a known mechanism of disease (ACMG/AMP: PVS1_Strong; PMIDs:18628483, 21345144, 29368626, 20159562, 22792074). This variant has been reported at an elevated frequency in affected individuals/in multiple affected individuals in the literature (ACMG/AMP: PS4; PMIDs:25186627, 26689913, 28452373, 30130155, 30728895, 33646313).

Baylor Genetics
Classification: Likely pathogenic for Familial cancer of breast. Last evaluated: 2024-03-25. Review status: criteria provided, single submitter. Criteria: ACMG Guidelines, 2015. Collection method: clinical testing. Allele origin: unknown.

Fulgent Genetics
Classification: Pathogenic for Familial cancer of breast; Fanconi anemia complementation group J. Last evaluated: 2024-01-02. Review status: criteria provided, single submitter. Criteria: ACMG Guidelines, 2015. Collection method: clinical testing. Allele origin: germline.

GeneDx
Classification: Likely pathogenic. Last evaluated: 2023-09-28. Review status: criteria provided, single submitter. Criteria: GeneDx Variant Classification Process June 2021. Collection method: clinical testing. Allele origin: germline. Affected: yes.
Comment: Frameshift variant in the C-terminus predicted to result in protein truncation, as the last 184 amino acids are lost and replaced with11 incorrect amino acids; Observed in individuals with breast and other cancers (Tung et al., 2015; Huang et al., 2018; Zheng et al., 2018; Slavin et al., 2019; George et al., 2021); Not observed at significant frequency in large population cohorts (gnomAD); This variant is associated with the following publications: (PMID: 29625052, 25186627, 29922827, 30728895, 20159562, 21127055, 30130155, 33646313, 26689913, 34949788, 36451132, 35969835)